The following is an entry in ClinVar:

NM_020458.4(TTC7A):c.1598A>C (p.Gln533Pro)

Gene: TTC7A (tetratricopeptide repeat domain 7A; plus strand). Cytogenetic location: 2p21.
Variant type: single nucleotide variant.
Coding change: c.1598A>C on transcript NM_020458.4 (MANE Select); coding-DNA position 1598, A replaced by C.
Protein change: p.Gln533Pro; replaces glutamine 533 with proline.
Molecular consequence: missense variant.
Genome position (GRCh38, 1-based): chr2:47,024,316, A>C. VCF-style: chr2-47024316-A-C. GRCh37 (hg19) VCF-style: chr2-47251455-A-C.
Other names: c.1598A>C, p.Gln533Pro (LRG_1323t1, NM_001288951.2); c.1496A>C, p.Gln499Pro (NM_001288953.2); c.536A>C, p.Gln179Pro (NM_001288955.2); short protein forms Q499P, Q533P, Q179P.
Identifiers: ClinVar variation 644372 (VCV000644372.9), dbSNP rs1572943765, ClinGen allele CA346716370.

ClinVar aggregate classification (germline): Uncertain significance (1 of 4 stars; one submission).

Conditions:
Multiple gastrointestinal atresias. Also called: Multiple intestinal atresia; FAMILIAL INTESTINAL POLYATRESIA SYNDROME. Identifiers: Orphanet 2300, MedGen C0220744, MONDO:0009465.

gnomAD v4.1: 17 of 1,609,158 alleles (0.0011%); highest among the groups gnomAD compares: Non-Finnish European, 0.0014%; no homozygotes.

Submission:

Labcorp Genetics (formerly Invitae), Labcorp
Classification: Uncertain significance for Multiple gastrointestinal atresias. Last evaluated: 2018-10-30. Review status: criteria provided, single submitter. Criteria: Invitae Variant Classification Sherloc (09022015). Collection method: clinical testing. Allele origin: germline.
Comment: In summary, the available evidence is currently insufficient to determine the role of this variant in disease. Therefore, it has been classified as a Variant of Uncertain Significance. Algorithms developed to predict the effect of missense changes on protein structure and function are either unavailable or do not agree on the potential impact of this missense change (SIFT: "Tolerated"; PolyPhen-2: "Probably Damaging"; Align-GVGD: "Class C0"). This variant has not been reported in the literature in individuals with TTC7A-related disease. This variant is not present in population databases (ExAC no frequency). This sequence change replaces glutamine with proline at codon 533 of the TTC7A protein (p.Gln533Pro). The glutamine residue is moderately conserved and there is a moderate physicochemical difference between glutamine and proline.